The following is an entry in ClinVar:

ClinVar aggregate classification (germline): Pathogenic. Review status: criteria provided, multiple submitters, no conflicts (2 of 4 stars). 3 submissions from 3 submitters: Pathogenic (2). 1 of the submissions does not count toward it. Last evaluated 2021-07-22.

Conditions:
Marinesco-Sjögren syndrome (MSS). Also called: Marinesco-Sjogren Syndrome; Marinesco-SjÃ¶gren syndrome. Identifiers: Orphanet 559, MedGen C0024814, MONDO:0009567, OMIM 248800.

Allele frequency attached by ClinVar (database versions not stated): gnomAD exomes below 0.00001.
gnomAD v4.1: 1 of 1,613,558 alleles (0.000062%); highest among the groups gnomAD compares: Non-Finnish European, 0.000085%; no homozygotes.

Submissions (3):

MGZ Medical Genetics Center
Classification: Pathogenic for Marinesco-Sjögren syndrome. Last evaluated: 2021-07-22. Review status: criteria provided, single submitter. Criteria: ACMG Guidelines, 2015. Collection method: clinical testing. Allele origin: germline. Affected: yes. Observed: 1 variant allele.
Comment: ACMG criteria applied: PVS1, PS4_MOD, PM2_SUP, PP1

Eurofins Ntd Llc (ga)
Classification: Pathogenic. Last evaluated: 2012-11-21. Review status: criteria provided, single submitter. Criteria: EGL Classification Definitions 2015. Collection method: clinical testing. Allele origin: germline. Observed: 1 variant allele, 1 homozygote.

OMIM
Classification: Pathogenic for MARINESCO-SJOGREN SYNDROME. Last evaluated: 2006-11-01. Review status: no assertion criteria provided. Collection method: literature only. Allele origin: germline. Not counted in ClinVar's aggregate classification.

Literature cited by the submitters: PubMed 17026626 (cited by OMIM).

NM_022464.5(SIL1):c.1312C>T (p.Gln438Ter)

Gene: SIL1 (SIL1 nucleotide exchange factor; minus strand). Cytogenetic location: 5q31.2.
Variant type: single nucleotide variant.
Coding change: c.1312C>T on transcript NM_022464.5 (MANE Select); coding-DNA position 1312, C replaced by T.
Protein change: p.Gln438Ter; replaces glutamine 438 with a stop codon.
Molecular consequence: nonsense.
Genome position (GRCh38, 1-based): chr5:138,947,191, G>A on the plus strand (C>T on the coding strand, the complement: SIL1 is on the minus strand). VCF-style: chr5-138947191-G-A. GRCh37 (hg19) VCF-style: chr5-138282880-G-A.
Other names: c.1312C>T, p.Gln438Ter (NM_001037633.2); short protein forms Q438*.
Identifiers: ClinVar variation 2627 (VCV000002627.8), dbSNP rs119456966, ClinGen allele CA223722.